The following is an entry in ClinVar:

NM_001278716.2(FBXL4):c.1103+30T>C

Gene: FBXL4 (F-box and leucine rich repeat protein 4; minus strand). Cytogenetic location: 6q16.2.
Variant type: single nucleotide variant.
Coding change: c.1103+30T>C on transcript NM_001278716.2 (MANE Select); 30 bases into the intron after coding-DNA position 1103, T replaced by C.
Molecular consequence: intron variant.
Genome position (GRCh38, 1-based): chr6:98,905,396, A>G on the plus strand (T>C on the coding strand, the complement: FBXL4 is on the minus strand). VCF-style: chr6-98905396-A-G. GRCh37 (hg19) VCF-style: chr6-99353272-A-G.
Other names: c.1103+30T>C (NM_012160.5).
Identifiers: ClinVar variation 559352 (VCV000559352.6), dbSNP rs6935315, ClinGen allele CA3933541.

ClinVar aggregate classification (germline): Benign. Review status: criteria provided, single submitter (1 of 4 stars). 2 submissions from 2 submitters: Benign (1). 1 of the submissions does not count toward it. Last evaluated 2018-06-14.

Allele frequency attached by ClinVar (database versions not stated): 1000 Genomes Project 0.26478; ESP Exome Variant Server 0.28664; TOPMed 0.35622; gnomAD 0.36013 and 0.36921.
gnomAD v4.1: 589,220 of 1,598,060 alleles (37%); highest among the groups gnomAD compares: Middle Eastern, 41%; 113,732 homozygotes.

Submissions (2):

GeneDx
Classification: Benign. Last evaluated: 2018-06-14. Review status: criteria provided, single submitter. Criteria: GeneDx Variant Classification (06012015). Collection method: clinical testing. Allele origin: germline. Affected: yes.
Comment: This variant is considered likely benign or benign based on one or more of the following criteria: it is a conservative change, it occurs at a poorly conserved position in the protein, it is predicted to be benign by multiple in silico algorithms, and/or has population frequency not consistent with disease.

Mayo Clinic Laboratories, Mayo Clinic
Classification: Benign. Last evaluated: 2016-02-29. Review status: no assertion criteria provided. Collection method: clinical testing. Allele origin: unknown. Not counted in ClinVar's aggregate classification.